The following is an entry in ClinVar:

NM_001130965.3(SUN1):c.910+2T>C

Gene: SUN1 (Sad1 and UNC84 domain containing 1; plus strand). Cytogenetic location: 7p22.3.
Variant type: single nucleotide variant.
Coding change: c.910+2T>C on transcript NM_001130965.3 (MANE Select); the canonical splice donor site of the intron after coding-DNA position 910, T replaced by C.
Molecular consequence: splice donor variant.
Genome position (GRCh38, 1-based): chr7:852,669, T>C. VCF-style: chr7-852669-T-C. GRCh37 (hg19) VCF-style: chr7-892306-T-C.
Other names: c.844+2T>C (NM_001367701.1, NM_001367644.1, NM_001367680.1); c.745+2T>C (NM_001367686.1); c.871+2T>C (NM_001367645.1, NM_001367689.1, NM_001367667.1 and 1 more transcripts); c.260+2T>C (NM_001367658.1); c.772+2T>C (NM_001367648.1); c.760+2T>C (NM_001367670.1, NM_001367660.1, NM_001367671.1 and 1 more transcripts); c.661+2T>C (NM_025154.6); c.454+2T>C (NM_001367639.1); and 24 more.
Identifiers: ClinVar variation 967032 (VCV000967032.8), dbSNP rs1823355041, ClinGen allele CA366529560.
Genomic context (GRCh38, chr7:852,669, plus strand): 5'-GTGCCTTCGAAACATCTGCAAGTTTTTAGTCTTGCTCATCCCACTCTTCCTTTTACTAGG[T>C]AAGTCAAATCTGGCTGAGTTGCCTCCGATGGCTAAGCGGTACACACATATGTGTAACTTA-3'

ClinVar aggregate classification (germline): Uncertain significance (1 of 4 stars; one submission).

Conditions:
Emery-Dreifuss muscular dystrophy (EDMD). Also called: Scapuloperoneal syndrome, X-linked (formerly); Humeroperoneal neuromuscular disease, (formerly). Identifiers: Orphanet 261, MedGen C0410189, MONDO:0016830.

Submission:

Labcorp Genetics (formerly Invitae), Labcorp
Classification: Uncertain significance for Emery-Dreifuss muscular dystrophy. Last evaluated: 2022-08-23. Review status: criteria provided, single submitter. Criteria: Invitae Variant Classification Sherloc (09022015). Collection method: clinical testing. Allele origin: germline.
Comment: In summary, the available evidence is currently insufficient to determine the role of this variant in disease. Therefore, it has been classified as a Variant of Uncertain Significance. Algorithms developed to predict the effect of sequence changes on RNA splicing suggest that this variant may disrupt the consensus splice site. ClinVar contains an entry for this variant (Variation ID: 967032). This variant has not been reported in the literature in individuals affected with SUN1-related conditions. This variant is not present in population databases (gnomAD no frequency). This sequence change affects a donor splice site in intron 8 of the SUN1 gene. It is expected to disrupt RNA splicing. Variants that disrupt the donor or acceptor splice site typically lead to a loss of protein function (PMID: 16199547), however the current clinical and genetic evidence is not sufficient to establish whether loss-of-function variants in SUN1 cause disease.

Literature cited by the submitters: PubMed 16199547.